The following is an entry in ClinVar:

ClinVar aggregate classification (germline): Uncertain significance (1 of 4 stars; one submission).

Conditions:
Oculofaciocardiodental syndrome (MCOPS2). Identifiers: Orphanet 2712, MedGen C1846265, MONDO:0010261, OMIM 300166.

Allele frequency attached by ClinVar (database versions not stated): ExAC 0.00001; gnomAD 0.00002 and 0.00003; gnomAD exomes 0.00002; TOPMed 0.00003; 1000 Genomes Project 30x 0.00021; 1000 Genomes Project 0.00026.
gnomAD v4.1: 24 of 1,210,400 alleles (0.002%); highest among the groups gnomAD compares: East Asian, 0.003%; no homozygotes.

Submission:

Labcorp Genetics (formerly Invitae), Labcorp
Classification: Uncertain significance for Oculofaciocardiodental syndrome. Last evaluated: 2020-08-03. Review status: criteria provided, single submitter. Criteria: Invitae Variant Classification Sherloc (09022015). Collection method: clinical testing. Allele origin: germline.
Comment: In summary, the available evidence is currently insufficient to determine the role of this variant in disease. Therefore, it has been classified as a Variant of Uncertain Significance. Algorithms developed to predict the effect of missense changes on protein structure and function are either unavailable or do not agree on the potential impact of this missense change (SIFT: "Deleterious"; PolyPhen-2: "Benign"; Align-GVGD: "Class C35"). This variant has not been reported in the literature in individuals with BCOR-related conditions. This variant is present in population databases (rs773204535, ExAC 0.01%). This sequence change replaces arginine with glutamine at codon 1197 of the BCOR protein (p.Arg1197Gln). The arginine residue is highly conserved and there is a small physicochemical difference between arginine and glutamine.

NM_001123385.2(BCOR):c.3692G>A (p.Arg1231Gln)

Gene: BCOR (BCL6 corepressor; minus strand). Cytogenetic location: Xp11.4.
Variant type: single nucleotide variant.
Coding change: c.3692G>A on transcript NM_001123385.2 (MANE Select); coding-DNA position 3692, G replaced by A.
Protein change: p.Arg1231Gln; replaces arginine 1231 with glutamine.
Molecular consequence: missense variant.
Genome position (GRCh38, 1-based): chrX:40,063,763, C>T on the plus strand (G>A on the coding strand, the complement: BCOR is on the minus strand). VCF-style: chrX-40063763-C-T. GRCh37 (hg19) VCF-style: chrX-39923016-C-T.
Other names: c.3590G>A, p.Arg1197Gln (NM_001123383.2, NM_017745.6); c.3536G>A, p.Arg1179Gln (NM_001123384.2); short protein forms R1179Q, R1197Q, R1231Q.
Identifiers: ClinVar variation 1052364 (VCV001052364.9), dbSNP rs773204535, ClinGen allele CA10386570.
Genomic context (GRCh38, chrX:40,063,763, plus strand): 5'-TTAGTCCCCTGAGGAATGGCCTCAGGCTGAGTGGCCTGGGTCACTTCCTTCCTGCTTTGC[C>T]GGCCAGGTTTGCCATCTGCTGCCGACACCTGCTGCTCCCATCGTTCTCTAAGGTGCAGCA-3'
Protein context (NP_001116857.1, residues 1221-1241): QVSAADGKPG[Arg1231Gln]QSRKEVTQAT